The following is an entry in ClinVar:

ClinVar aggregate classification (germline): Uncertain significance (1 of 4 stars; one submission).

Conditions:
SCAPER-related disorder. Also called: SCAPER-related condition.

Submission:

PreventionGenetics, part of Exact Sciences
Classification: Uncertain significance for SCAPER-related condition. Last evaluated: 2025-10-30. Review status: criteria provided, single submitter. Criteria: ACMG Guidelines, 2015. Collection method: clinical testing. Allele origin: germline.
Comment: The SCAPER c.2685A>C variant is predicted to result in the amino acid substitution p.Leu895Phe. To our knowledge, this variant has not been reported in the literature or in a large population database (gnomAD), indicating this variant is rare. At this time, the clinical significance of this variant is uncertain due to the absence of conclusive functional and genetic evidence.

NM_020843.4(SCAPER):c.2667A>C (p.Leu889Phe)

Gene: SCAPER (S-phase cyclin A associated protein in the ER; minus strand). Cytogenetic location: 15q24.3.
Variant type: single nucleotide variant.
Coding change: c.2667A>C on transcript NM_020843.4 (MANE Select); coding-DNA position 2667, A replaced by C.
Protein change: p.Leu889Phe; replaces leucine 889 with phenylalanine.
Molecular consequence: missense variant. On other transcripts: non-coding transcript variant (1).
Genome position (GRCh38, 1-based): chr15:76,621,808, T>G on the plus strand (A>C on the coding strand, the complement: SCAPER is on the minus strand). VCF-style: chr15-76621808-T-G. GRCh37 (hg19) VCF-style: chr15-76914149-T-G.
Other names: c.1929A>C, p.Leu643Phe (NM_001145923.2); c.2685A>C, p.Leu895Phe (NM_001353009.2); c.2265A>C, p.Leu755Phe (NM_001353010.2, NM_001353012.2); c.2283A>C, p.Leu761Phe (NM_001353011.2); short protein forms L889F, L895F, L643F, L761F, L755F.
Identifiers: ClinVar variation 4995994 (VCV004995994.1).
Genomic context (GRCh38, chr15:76,621,808, plus strand): 5'-AATGTGGAATACTCACTTTGCTTTATAAGGTGAATCAGAGCCAGAATTTTTGGTTTCCAT[T>G]AAACTCTCATATTCCTTAGCCCTGAAGAGAAAAAAAGTTTTAACACAGTTATTTCACTGC-3'
Protein context (NP_065894.2, residues 879-899): MNFRAKEYES[Leu889Phe]METKNSGSDS